The following is an entry in ClinVar:

ClinVar aggregate classification (germline): Likely pathogenic (1 of 4 stars; one submission).

Conditions:
Gaucher disease. Also called: Acute cerebral Gaucher disease; Cerebroside lipidosis syndrome; Gaucher splenomegaly; Sphingolipidosis 1; Glucocerebrosidosis; Glucosylceramidase deficiency. Identifiers: Orphanet 355, MedGen C0017205, MONDO:0018150.

Submission:

Natera, Inc.
Classification: Likely pathogenic for Gaucher disease. Last evaluated: 2024-06-28. Review status: criteria provided, single submitter. Criteria: Natera Variant Classification Schema (03/2026). Collection method: clinical testing. Allele origin: germline.
Comment: The c.1000-1G>A variant in GBA1 is a canonical splice acceptor site variant predicted to affect pre-mRNA splicing, which may result in an abnormal transcript and altered protein product. This variant is expected to result in nonsense mediated decay, truncation, or a dysfunctional protein product. This variant is rare in the general population with a frequency below the threshold expected for the associated phenotype(s). This variant has been observed in one or more individuals affected with the associated recessive disease, as either homozygous or compound heterozygous with a second variant (PMID: 24434810). Given the available evidence, this variant is classified as Likely Pathogenic.

Literature cited by the submitters: PubMed 24434810.

NM_000157.4(GBA1):c.1000-1G>A

Genes: GBA1 (glucosylceramidase beta 1; minus strand), LOC106627981 (GBA recombination region; plus strand). Cytogenetic location: 1q22.
Variant type: single nucleotide variant.
Coding change: c.1000-1G>A on transcript NM_000157.4 (MANE Select); the canonical splice acceptor site of the intron before coding-DNA position 1000, G replaced by A.
Molecular consequence: splice acceptor variant.
Genome position (GRCh38, 1-based): chr1:155,236,470, C>T on the plus strand (G>A on the coding strand, the complement: GBA1 is on the minus strand). VCF-style: chr1-155236470-C-T. GRCh37 (hg19) VCF-style: chr1-155206261-C-T.
Other names: c.739-1G>A (NM_001171811.2); c.1000-1G>A (NM_001005742.3, NM_001005741.3); c.853-1G>A (NM_001171812.2).
Identifiers: ClinVar variation 4817658 (VCV004817658.1).